The following is an entry in ClinVar:

ClinVar aggregate classification (germline): Likely benign (1 of 4 stars; one submission).

Submission:

CeGaT Center for Human Genetics Tuebingen
Classification: Likely benign. Last evaluated: 2022-11-01. Review status: criteria provided, single submitter. Criteria: CeGaT Center For Human Genetics Tuebingen Variant Classification Criteria Version 2. Collection method: clinical testing. Allele origin: germline. Affected: yes. Observed: 1 variant allele.
Comment: PRR27: BP4, BP7

NM_214711.4(PRR27):c.504T>A (p.Pro168=)

Gene: PRR27 (proline rich 27; plus strand). Cytogenetic location: 4q13.3.
Variant type: single nucleotide variant.
Coding change: c.504T>A on transcript NM_214711.4 (MANE Select); coding-DNA position 504, T replaced by A.
Protein change: p.Pro168=; no amino-acid change (proline 168 retained).
Molecular consequence: synonymous variant.
Genome position (GRCh38, 1-based): chr4:70,158,756, T>A. VCF-style: chr4-70158756-T-A. GRCh37 (hg19) VCF-style: chr4-71024473-T-A.
Identifiers: ClinVar variation 2654794 (VCV002654794.24), dbSNP rs542201615, ClinGen allele CA98950067.